The following is an entry in ClinVar:

ClinVar aggregate classification (germline): Uncertain significance (1 of 4 stars; one submission).

Submission:

Labcorp Genetics (formerly Invitae), Labcorp
Classification: Uncertain significance. Last evaluated: 2023-05-15. Review status: criteria provided, single submitter. Criteria: Invitae Variant Classification Sherloc (09022015). Collection method: clinical testing. Allele origin: germline.
Comment: This variant has not been reported in the literature in individuals affected with CERKL-related conditions. In summary, the available evidence is currently insufficient to determine the role of this variant in disease. Therefore, it has been classified as a Variant of Uncertain Significance. An algorithm developed to predict the effect of missense changes on protein structure and function (PolyPhen-2) suggests that this variant is likely to be tolerated. ClinVar contains an entry for this variant (Variation ID: 2022820). This variant is not present in population databases (gnomAD no frequency). This sequence change replaces isoleucine, which is neutral and non-polar, with threonine, which is neutral and polar, at codon 205 of the CERKL protein (p.Ile205Thr).

NM_201548.5(CERKL):c.614T>C (p.Ile205Thr)

Gene: CERKL (CERK like autophagy regulator; minus strand). Cytogenetic location: 2q31.3.
Variant type: single nucleotide variant.
Coding change: c.614T>C on transcript NM_201548.5 (MANE Select); coding-DNA position 614, T replaced by C.
Protein change: p.Ile205Thr; replaces isoleucine 205 with threonine.
Molecular consequence: missense variant. On other transcripts: intron variant (2).
Genome position (GRCh38, 1-based): chr2:181,566,121, A>G on the plus strand (T>C on the coding strand, the complement: CERKL is on the minus strand). VCF-style: chr2-181566121-A-G. GRCh37 (hg19) VCF-style: chr2-182430848-A-G.
Other names: c.614T>C, p.Ile205Thr (NM_001030311.3); c.482T>C, p.Val161Ala (NM_001160277.2); c.482-16413T>C (NM_001030312.3); c.613+7632T>C (NM_001030313.3); short protein forms I205T, V161A.
Identifiers: ClinVar variation 2022820 (VCV002022820.4), dbSNP rs2468336661, ClinGen allele CA349743223.